The following is an entry in ClinVar:

NM_014251.3(SLC25A13):c.1140del (p.Val381fs)

Gene: SLC25A13 (solute carrier family 25 member 13; minus strand). Cytogenetic location: 7q21.3.
Variant type: Deletion.
Coding change: c.1140del on transcript NM_014251.3 (MANE Select); coding-DNA position 1140, one base deleted (A; older notation c.1140delA).
Protein change: p.Val381fs; shifts the reading frame from valine 381.
Molecular consequence: frameshift variant. On other transcripts: non-coding transcript variant (1).
Genome position (GRCh38, 1-based): chr7:96,184,314, T deleted on the plus strand (A on the coding strand, the reverse complement: SLC25A13 is on the minus strand); the first of 3 consecutive T bases (chr7:96,184,314-96,184,316); deleting any one gives the same sequence. VCF-style (leftmost placement, unchanged base first): chr7-96184313-CT-C. GRCh37 (hg19) VCF-style: chr7-95813625-CT-C.
Other names: c.1143del, p.Val382fs (NM_001160210.2); short protein forms V381fs, V382fs.
Identifiers: ClinVar variation 3358523 (VCV003358523.1).

ClinVar aggregate classification (germline): Likely pathogenic (0 of 4 stars; one submission).

Conditions:
SLC25A13-related disorder. Also called: SLC25A13-related condition.

Submission:

PreventionGenetics, part of Exact Sciences
Classification: Likely pathogenic for SLC25A13-related condition. Last evaluated: 2024-03-11. Review status: no assertion criteria provided. Collection method: clinical testing. Allele origin: germline.
Comment: The SLC25A13 c.1140delA variant is predicted to result in a frameshift and premature protein termination (p.Val381Cysfs*27). To our knowledge, this variant has not been reported in the literature or in a large population database, indicating this variant is rare. Frameshift variants in SLC25A13 are expected to be pathogenic. This variant is interpreted as likely pathogenic.